The following is an entry in ClinVar:

ClinVar aggregate classification (germline): Uncertain significance (1 of 4 stars; one submission).

Submission:

GeneDx
Classification: Uncertain significance. Last evaluated: 2024-07-24. Review status: criteria provided, single submitter. Criteria: GeneDx Variant Classification Process June 2021. Collection method: clinical testing. Allele origin: germline. Affected: yes.
Comment: Not observed at significant frequency in large population cohorts (gnomAD); Frameshift variant predicted to result in protein truncation or nonsense mediated decay in a gene or region of a gene for which loss of function is not a well-established mechanism of disease; Has not been previously published as pathogenic or benign to our knowledge

NM_001379451.1(BCORL1):c.3107_3117del (p.Glu1036fs)

Gene: BCORL1 (BCL6 corepressor like 1; plus strand). Cytogenetic location: Xq26.1.
Variant type: Deletion.
Coding change: c.3107_3117del on transcript NM_001379451.1 (MANE Select); coding-DNA positions 3107 to 3117, 11 bases deleted (AGCGCCCACAG).
Protein change: p.Glu1036fs; shifts the reading frame from glutamic acid 1036.
Molecular consequence: frameshift variant.
Genome position (GRCh38, 1-based): chrX:130,015,879-130,015,889, AGCGCCCACAG deleted; deleting any 11 consecutive bases within chrX:130,015,874-130,015,889 gives the same sequence; the c. name uses the placement nearest the transcript's 3' end. VCF-style (leftmost placement, unchanged base first): chrX-130015873-GCACAGAGCGCC-G. GRCh37 (hg19) VCF-style: chrX-129149849-GCACAGAGCGCC-G.
Other names: c.3107_3117del, p.Glu1036fs (NM_001184772.3, NM_001379450.1, NM_021946.5); c.3107_3117delAGCGCCCACAG, p.Glu1036Alafs (NM_021946.4); short protein forms E1036fs.
Identifiers: ClinVar variation 3602305 (VCV003602305.1).